The following is an entry in ClinVar:

ClinVar aggregate classification (germline): Benign/Likely benign. Review status: criteria provided, multiple submitters, no conflicts (2 of 4 stars). 5 submissions from 5 submitters: Benign (1); Likely benign (3). 1 of the submissions does not count toward it. Last evaluated 2025-12-23.

Conditions:
DNAAF2-related disorder. Also called: DNAAF2-related condition.
Primary ciliary dyskinesia. Also called: Ciliary dyskinesia. Identifiers: Orphanet 244, MedGen C0008780, MONDO:0016575, HP:0012265.

Allele frequency attached by ClinVar (database versions not stated): gnomAD exomes 0.00032; ExAC 0.00038; gnomAD 0.00094 and 0.00112; ESP Exome Variant Server 0.00108; TOPMed 0.00129; 1000 Genomes Project 0.00140; 1000 Genomes Project 30x 0.00156.
gnomAD v4.1: 346 of 1,605,590 alleles (0.022%); highest among the groups gnomAD compares: African/African-American, 0.34%; no homozygotes.

Submissions (5):

Labcorp Genetics (formerly Invitae), Labcorp
Classification: Likely benign for Primary ciliary dyskinesia. Last evaluated: 2025-12-23. Review status: criteria provided, single submitter. Criteria: Invitae Variant Classification Sherloc (09022015). Collection method: clinical testing. Allele origin: germline.

Mayo Clinic Laboratories, Mayo Clinic
Classification: Likely benign. Last evaluated: 2025-10-17. Review status: criteria provided, single submitter. Criteria: ACMG Guidelines, 2015. Collection method: clinical testing. Allele origin: germline. Observed: 1 variant allele.
Comment: BS1_supporting, BP4

Blueprint Genetics
Classification: Likely benign. Last evaluated: 2024-06-17. Review status: criteria provided, single submitter. Criteria: ACMG Guidelines, 2015. Collection method: clinical testing. Allele origin: germline.

Ambry Genetics
Classification: Benign for Primary ciliary dyskinesia. Last evaluated: 2018-08-10. Review status: criteria provided, single submitter. Criteria: Ambry Variant Classification Scheme 2023. Collection method: clinical testing. Allele origin: germline.

PreventionGenetics, part of Exact Sciences
Classification: Likely benign for DNAAF2-related condition. Last evaluated: 2023-04-04. Review status: no assertion criteria provided. Collection method: clinical testing. Allele origin: germline. Not counted in ClinVar's aggregate classification.
Comment: This variant is classified as likely benign based on ACMG/AMP sequence variant interpretation guidelines (Richards et al. 2015 PMID: 25741868, with internal and published modifications).

NM_018139.3(DNAAF2):c.1459C>T (p.Arg487Cys)

Gene: DNAAF2 (dynein axonemal assembly factor 2; minus strand). Cytogenetic location: 14q21.3.
Variant type: single nucleotide variant.
Coding change: c.1459C>T on transcript NM_018139.3 (MANE Select); coding-DNA position 1459, C replaced by T.
Protein change: p.Arg487Cys; replaces arginine 487 with cysteine.
Molecular consequence: missense variant. On other transcripts: 5 prime UTR variant (1).
Genome position (GRCh38, 1-based): chr14:49,633,691, G>A on the plus strand (C>T on the coding strand, the complement: DNAAF2 is on the minus strand). VCF-style: chr14-49633691-G-A. GRCh37 (hg19) VCF-style: chr14-50100409-G-A.
Other names: p.Arg487Cys; c.1459C>T, p.Arg487Cys (NM_001083908.2); c.-413C>T (NM_001378453.1); short protein forms R487C.
Identifiers: ClinVar variation 215901 (VCV000215901.18), dbSNP rs141192321, ClinGen allele CA337586.
Genomic context (GRCh38, chr14:49,633,691, plus strand): 5'-CTGAGCGCTGGCCGCCCGTGCCCTCCGACTCCTCGCGTGTTTCCACACTGCTATCTCCGC[G>A]CGCACTCTCTCTTCCCGCAGAAGAACCCCACGCCAGGCTCCGGGAGGACAAACAAGGGGA-3'
Protein context (NP_060609.2, residues 477-497): WGSSAGRESA[Arg487Cys]GDSSVETREE